The following is an entry in ClinVar:

NM_000404.4(GLB1):c.1813del (p.Gln605fs)

Gene: GLB1 (galactosidase beta 1; minus strand). Cytogenetic location: 3p22.3.
Variant type: Deletion.
Coding change: c.1813del on transcript NM_000404.4 (MANE Select); coding-DNA position 1813, one base deleted (C; older notation c.1813delC).
Protein change: p.Gln605fs; shifts the reading frame from glutamine 605.
Molecular consequence: frameshift variant. On other transcripts: intron variant (1).
Genome position (GRCh38, 1-based): chr3:32,997,266, G deleted on the plus strand (C on the coding strand, the reverse complement: GLB1 is on the minus strand); the first of 4 consecutive G bases (chr3:32,997,266-32,997,269); deleting any one gives the same sequence. VCF-style (leftmost placement, unchanged base first): chr3-32997265-TG-T. GRCh37 (hg19) VCF-style: chr3-33038757-TG-T.
Other names: c.1723del, p.Gln575fs (NM_001079811.3); c.1420del, p.Gln474fs (NM_001135602.3); c.1957del, p.Gln653fs (NM_001317040.2); c.1734+16790del (NM_001393580.1); short protein forms Q474fs, Q575fs, Q605fs, Q653fs.
Identifiers: ClinVar variation 4818318 (VCV004818318.1).

ClinVar aggregate classification (germline): Likely pathogenic (1 of 4 stars; one submission).

Conditions:
Mucopolysaccharidosis, MPS-IV-B (MPS4B). Also called: MORQUIO SYNDROME B; Mucopolysaccharidosis type 4B; Mucopolysaccharidosis type IVB (Morquio); MPS IVB; Mucopolysaccharidosis type IV B; Mucopolysaccharidosis Type IVB. Identifiers: Orphanet 309310, Orphanet 582, MedGen C0086652, MONDO:0009660, OMIM 253010.

Submission:

Natera, Inc.
Classification: Likely pathogenic for Mucopolysaccharidosis, MPS-IV-B. Last evaluated: 2025-06-08. Review status: criteria provided, single submitter. Criteria: Natera Variant Classification Schema (03/2026). Collection method: clinical testing. Allele origin: germline.
Comment: The c.1813del variant in GLB1 is a frameshift variant predicted to shift the reading frame beginning at codon 605 and leads to a stop codon 4 codons downstream. This variant is expected to result in nonsense mediated decay, truncation, or a dysfunctional protein product. This variant is rare in the general population with a frequency below the threshold expected for the associated phenotype(s). Given the available evidence, this variant is classified as Likely Pathogenic.